The following is an entry in ClinVar:

ClinVar aggregate classification (germline): Conflicting classifications of pathogenicity. Review status: criteria provided, conflicting classifications (1 of 4 stars). 7 submissions from 7 submitters: Uncertain significance (5); Likely benign (1). 1 of the submissions does not count toward it. Last evaluated 2024-05-28.

Conditions:
Hereditary breast ovarian cancer syndrome. Also called: Hereditary breast and ovarian cancer syndrome; Hereditary breast and ovarian cancer; Hereditary breast and ovarian cancer syndrome (HBOC); Breast and ovarian cancer; Hereditary breast and/or ovarian cancer syndrome; BRCA1- and BRCA2-Associated Hereditary Breast and Ovarian Cancer. Identifiers: Orphanet 145, MedGen C0677776, MeSH D061325, MONDO:0003582. Disease mechanism: loss of function.
Hereditary cancer-predisposing syndrome. Also called: Neoplastic Syndromes, Hereditary; Tumor predisposition; Hereditary neoplastic syndrome; Hereditary Cancer Syndrome. Identifiers: Orphanet 140162, MedGen C0027672, MeSH D009386, MONDO:0015356.
Breast-ovarian cancer, familial, susceptibility to, 2 (BROVCA2). Also called: BRCA2 Hereditary Breast and Ovarian Cancer. Identifiers: Orphanet 145, MedGen C2675520, MONDO:0012933, OMIM 612555. Disease mechanism: loss of function.

Allele frequency attached by ClinVar (database versions not stated): gnomAD exomes below 0.00001; TOPMed below 0.00001.

Submissions (7):

Labcorp Genetics (formerly Invitae), Labcorp
Classification: Uncertain significance for Hereditary breast ovarian cancer syndrome. Last evaluated: 2024-05-28. Review status: criteria provided, single submitter. Criteria: Invitae Variant Classification Sherloc (09022015). Collection method: clinical testing. Allele origin: germline.
Comment: This sequence change replaces methionine, which is neutral and non-polar, with threonine, which is neutral and polar, at codon 1890 of the BRCA2 protein (p.Met1890Thr). This variant is present in population databases (rs80358794, gnomAD 0.0009%). This missense change has been observed in individual(s) with BRCA2-related conditions (PMID: 10923033, 34178674). ClinVar contains an entry for this variant (Variation ID: 51907). Advanced modeling of protein sequence and biophysical properties (such as structural, functional, and spatial information, amino acid conservation, physicochemical variation, residue mobility, and thermodynamic stability) performed at Invitae indicates that this missense variant is not expected to disrupt BRCA2 protein function with a negative predictive value of 95%. In summary, the available evidence is currently insufficient to determine the role of this variant in disease. Therefore, it has been classified as a Variant of Uncertain Significance.

GeneDx
Classification: Uncertain significance. Last evaluated: 2024-01-22. Review status: criteria provided, single submitter. Criteria: GeneDx Variant Classification Process June 2021. Collection method: clinical testing. Allele origin: germline. Affected: yes.
Comment: Co-observed with a pathogenic BRCA1 variant in an individual with ovarian cancer (PMID: 34178674); Not observed at significant frequency in large population cohorts (gnomAD); In silico analysis supports that this missense variant does not alter protein structure/function; Also known as 5897T>C; This variant is associated with the following publications: (PMID: 29884841, 32377563, 31131967, 33471991, 34178674)

Ambry Genetics
Classification: Uncertain significance for Hereditary cancer-predisposing syndrome. Last evaluated: 2023-12-01. Review status: criteria provided, single submitter. Criteria: Ambry Variant Classification Scheme 2023. Collection method: clinical testing. Allele origin: germline.
Comment: The p.M1890T variant (also known as c.5669T>C), located in coding exon 10 of the BRCA2 gene, results from a T to C substitution at nucleotide position 5669. The methionine at codon 1890 is replaced by threonine, an amino acid with similar properties. This variant was reported in 0/60,466 breast cancer cases and in 1/53,461 controls (Dorling et al. N Engl J Med, 2021 02;384:428-439). This alteration was identified in cohorts of Italian women with breast and/or ovarian cancer (Fanale D et al. Front Oncol, 2021 Jun;11:682445; Figlioli G et al. Cancers (Basel), 2021 Jan;13:). This amino acid position is poorly conserved in available vertebrate species. In addition, this alteration is predicted to be tolerated by in silico analysis. Since supporting evidence is limited at this time, the clinical significance of this alteration remains unclear.

University of Washington Department of Laboratory Medicine, University of Washington
Classification: Likely benign for Hereditary cancer-predisposing syndrome. Last evaluated: 2023-03-23. Review status: criteria provided, single submitter. Criteria: Dines et al. (Genet Med. 2020). Collection method: curation. Allele origin: germline.
Comment: Missense variant in a coldspot region where missense variants are very unlikely to be pathogenic (PMID:31911673).

BRCA2 exon 11 coldspot. Reclassification based on statistical prior probability.

Color Diagnostics, LLC DBA Color Health
Classification: Uncertain significance for Hereditary cancer-predisposing syndrome. Last evaluated: 2022-08-01. Review status: criteria provided, single submitter. Criteria: ACMG Guidelines, 2015. Collection method: clinical testing. Allele origin: germline.
Comment: This missense variant replaces methionine with threonine at codon 1890 of the BRCA2 protein. Computational prediction suggests that this variant may not impact protein structure and function (internally defined REVEL score threshold <= 0.5, PMID: 27666373). To our knowledge, functional studies have not been reported for this variant. This variant has been reported in a suspected hereditary breast and ovarian cancer family and in one unaffected individual (PMID: 31409081, 33471991; Leiden Open Variation Database DB-ID BRCA2_008358). This variant has been identified in 1/250218 chromosomes in the general population by the Genome Aggregation Database (gnomAD). The available evidence is insufficient to determine the role of this variant in disease conclusively. Therefore, this variant is classified as a Variant of Uncertain Significance.

Quest Diagnostics Nichols Institute San Juan Capistrano
Classification: Uncertain significance. Last evaluated: 2019-08-23. Review status: criteria provided, single submitter. Criteria: Quest Diagnostics criteria. Collection method: clinical testing. Allele origin: unknown.

Breast Cancer Information Core (BIC) (BRCA2)
Classification: Uncertain significance for Breast-ovarian cancer, familial 2. Last evaluated: 2004-02-20. Review status: no assertion criteria provided. Collection method: clinical testing. Allele origin: germline. Affected: yes. Observed: 4 variant alleles. Not counted in ClinVar's aggregate classification.

Literature cited by the submitters: PubMed 10923033 (cited by Labcorp Genetics (formerly Invitae), Labcorp); PubMed 34178674 (cited by Labcorp Genetics (formerly Invitae), Labcorp and Ambry Genetics); PubMed 33471991 (cited by Ambry Genetics and Color Diagnostics, LLC DBA Color Health); PubMed 33573335 (cited by Ambry Genetics); PubMed 31409081 (cited by Color Diagnostics, LLC DBA Color Health).

NM_000059.4(BRCA2):c.5669T>C (p.Met1890Thr)

Gene: BRCA2 (BRCA2 DNA repair associated; plus strand). Cytogenetic location: 13q13.1.
Variant type: single nucleotide variant.
Coding change: c.5669T>C on transcript NM_000059.4 (MANE Select); coding-DNA position 5669, T replaced by C.
Protein change: p.Met1890Thr; replaces methionine 1890 with threonine.
Molecular consequence: missense variant.
Genome position (GRCh38, 1-based): chr13:32,340,024, T>C. VCF-style: chr13-32340024-T-C. GRCh37 (hg19) VCF-style: chr13-32914161-T-C.
Other names: p.M1890T:ATG>ACG; short protein forms M1890T.
Identifiers: ClinVar variation 51907 (VCV000051907.22), dbSNP rs80358794, ClinGen allele CA022917.